The following is an entry in ClinVar:

NM_001369.3(DNAH5):c.257del (p.Asp86fs)

Gene: DNAH5 (dynein axonemal heavy chain 5; minus strand). Cytogenetic location: 5p15.2.
Variant type: Deletion.
Coding change: c.257del on transcript NM_001369.3 (MANE Select); coding-DNA position 257, one base deleted (A; older notation c.257delA).
Protein change: p.Asp86fs; shifts the reading frame from aspartic acid 86.
Molecular consequence: frameshift variant.
Genome position (GRCh38, 1-based): chr5:13,928,114, T deleted on the plus strand (A on the coding strand, the reverse complement: DNAH5 is on the minus strand). VCF-style (leftmost placement, unchanged base first): chr5-13928113-AT-A. GRCh37 (hg19) VCF-style: chr5-13928222-AT-A.
Other names: short protein forms D86fs.
Identifiers: ClinVar variation 5013044 (VCV005013044.1).

ClinVar aggregate classification (germline): Pathogenic (1 of 4 stars; one submission).

Conditions:
Primary ciliary dyskinesia 3. Identifiers: Orphanet 244, MedGen C1837618, MONDO:0012085, OMIM 608644.

Submission:

Myriad Genetics, Inc.
Classification: Pathogenic for Primary ciliary dyskinesia 3. Last evaluated: 2024-05-13. Review status: criteria provided, single submitter. Criteria: Myriad Autosomal Dominant, Autosomal Recessive and X-Linked Classification Criteria (2023). Collection method: clinical testing. Allele origin: unknown.
Comment: NM_001369.2(DNAH5):c.257delA(D86Vfs*13) is expected to be pathogenic in the context of primary ciliary dyskinesia, DNAH5-related. This variant is predicted to lead to an abnormal or absent protein product due to the creation of a premature termination codon in DNAH5, a gene where loss-of-function variants are known to be pathogenic. Please note: this variant was assessed in the context of healthy population screening.